The following is an entry in ClinVar:

ClinVar aggregate classification (germline): Benign/Likely benign. Review status: criteria provided, multiple submitters, no conflicts (2 of 4 stars). 2 submissions from 2 submitters: Benign (1); Likely benign (1). Last evaluated 2015-12-01.

Submissions (2):

GeneDx
Classification: Benign. Last evaluated: 2015-12-01. Review status: criteria provided, single submitter. Criteria: GeneDx Variant Classification Process June 2021. Collection method: clinical testing. Allele origin: germline. Affected: yes.

Laboratory for Molecular Medicine, Mass General Brigham Personalized Medicine
Classification: Likely benign. Last evaluated: 2012-02-02. Review status: criteria provided, single submitter. Criteria: LMM Criteria. Collection method: clinical testing. Allele origin: germline. Observed: 3 variant alleles.
Comment: 299-14delT in intron 4 of NEXN: This variant is not expected to have clinical si gnificance because it is not located within the splice consensus sequence.

NM_144573.4(NEXN):c.299-14del

Genes: NEXN (nexilin F-actin binding protein; plus strand), LOC126805765 (BRD4-independent group 4 enhancer GRCh37_chr1:78383688-78384887; plus strand). Cytogenetic location: 1p31.1.
Variant type: Deletion.
Coding change: c.299-14del on transcript NM_144573.4 (MANE Select); 14 bases into the intron before coding-DNA position 299, one base deleted (T; older notation c.299-14delT).
Molecular consequence: intron variant.
Genome position (GRCh38, 1-based): chr1:77,918,111, T deleted; the last of 8 consecutive T bases (chr1:77,918,104-77,918,111); deleting any one gives the same sequence. VCF-style (leftmost placement, unchanged base first): chr1-77918103-CT-C. GRCh37 (hg19) VCF-style: chr1-78383788-CT-C.
Other names: c.299-14delT (NM_144573.3); c.107-14del (NM_001172309.2).
Identifiers: ClinVar variation 47903 (VCV000047903.7), dbSNP rs397517855, ClinGen allele CA142152.
Genomic context (GRCh38, chr1:77,918,103, plus strand): 5'-GAAGCTTGAGGGGTAAATAGTAAATTAAATTGCAAAATAGAAACATAACCAAGTATCAAA[CT>C]TTTTTTTCATATATTTTTAGGAACTGTGAAGGGTAGATTTGCTGAAATGGAGAAACAAAG-3'